The following is an entry in ClinVar:

NM_001267052.2(UNC45B):c.245G>A (p.Arg82Gln)

Gene: UNC45B (unc-45 myosin chaperone B; plus strand). Cytogenetic location: 17q12.
Variant type: single nucleotide variant.
Coding change: c.245G>A on transcript NM_001267052.2 (MANE Select); coding-DNA position 245, G replaced by A.
Protein change: p.Arg82Gln; replaces arginine 82 with glutamine.
Molecular consequence: missense variant.
Genome position (GRCh38, 1-based): chr17:35,150,087, G>A. VCF-style: chr17-35150087-G-A. GRCh37 (hg19) VCF-style: chr17-33477106-G-A.
Other names: c.245G>A, p.Arg82Gln (NM_001033576.2, NM_001308281.1, NM_173167.3); short protein forms R82Q.
Identifiers: ClinVar variation 4281178 (VCV004281178.7).
Genomic context (GRCh38, chr17:35,150,087, plus strand): 5'-TCCCCCGTCTCCCCTCGATAGCCATCGACATCAACTCCTCGGACATCAAGGCTCTGTATC[G>A]GCGATGCCAGGCACTGGAGCACCTGGGGAAGCTGGACCAGGCCTTCAAAGACGTGCAGCG-3'
Protein context (NP_001253981.1, residues 72-92): INSSDIKALY[Arg82Gln]RCQALEHLGK

ClinVar aggregate classification (germline): Uncertain significance (1 of 4 stars; one submission).

Submission:

CeGaT Center for Human Genetics Tuebingen
Classification: Uncertain significance. Last evaluated: 2025-09-01. Review status: criteria provided, single submitter. Criteria: CeGaT Center For Human Genetics Tuebingen Variant Classification Criteria Version 2. Collection method: clinical testing. Allele origin: germline. Affected: yes. Observed: 1 variant allele.
Comment: UNC45B: PM2